The following is an entry in ClinVar:

ClinVar aggregate classification (germline): Likely pathogenic. Review status: criteria provided, multiple submitters, no conflicts (2 of 4 stars). 2 submissions from 2 submitters: Likely pathogenic (2). Last evaluated 2023-04-28.

Conditions:
Dilated cardiomyopathy 1G (CMD1G). Identifiers: Orphanet 154, MedGen C1858763, MONDO:0011400, OMIM 604145.
Autosomal recessive limb-girdle muscular dystrophy type 2J (LGMDR10). Also called: Limb-girdle muscular dystrophy, type 2J; MUSCULAR DYSTROPHY, LIMB-GIRDLE, AUTOSOMAL RECESSIVE 10. Identifiers: Orphanet 140922, MedGen C1837342, MONDO:0012127, OMIM 608807.
Primary dilated cardiomyopathy (DCM). Also called: Dilated Cardiomyopathy. Identifiers: Orphanet 217604, MedGen C0007193, MeSH D002311, MONDO:0005021, HP:0001644. Inheritance: Various modes of inheritance.

Submissions (2):

Labcorp Genetics (formerly Invitae), Labcorp
Classification: Likely pathogenic for Dilated cardiomyopathy 1G; Autosomal recessive limb-girdle muscular dystrophy type 2J. Last evaluated: 2023-04-28. Review status: criteria provided, single submitter. Criteria: Invitae Variant Classification Sherloc (09022015). Collection method: clinical testing. Allele origin: germline.
Comment: This sequence change creates a premature translational stop signal (p.Val24611Ilefs*19) in the TTN gene. While this is not anticipated to result in nonsense mediated decay, it is expected to create a truncated TTN protein. This variant is not present in population databases (gnomAD no frequency). This variant has not been reported in the literature in individuals affected with TTN-related conditions. ClinVar contains an entry for this variant (Variation ID: 694571). This variant is located in the A band of TTN (PMID: 25589632). Truncating variants in this region are significantly overrepresented in patients affected with dilated cardiomyopathy (PMID: 25589632). Truncating variants in this region have also been reported in individuals affected with autosomal recessive centronuclear myopathy (PMID: 23975875). In summary, the currently available evidence indicates that the variant is pathogenic, but additional data are needed to prove that conclusively. Therefore, this variant has been classified as Likely Pathogenic.

Genetics and Genomics Program, Sidra Medicine
Classification: Likely pathogenic for Primary dilated cardiomyopathy. Review status: criteria provided, single submitter. Criteria: ACMG Guidelines, 2015. Collection method: research. Allele origin: unknown. Affected: yes. Observed: 1 variant allele.

Literature cited by the submitters: PubMed 25589632 (cited by Labcorp Genetics (formerly Invitae), Labcorp); PubMed 23975875 (cited by Labcorp Genetics (formerly Invitae), Labcorp).

NM_001267550.2(TTN):c.73828_73835del (p.Val24611fs)

Genes: TTN (titin; minus strand), TTN-AS1 (TTN antisense RNA 1; plus strand). Cytogenetic location: 2q31.2.
Variant type: Deletion.
Coding change: c.73828_73835del on transcript NM_001267550.2 (MANE Select); coding-DNA positions 73828 to 73835, 8 bases deleted (TCTGTGAA; older notation c.73828_73835delTCTGTGAA).
Protein change: p.Val24611fs; shifts the reading frame from valine 24611.
Molecular consequence: frameshift variant.
Genome position (GRCh38, 1-based): chr2:178,572,297-178,572,304, TTCACAGA deleted on the plus strand (TCTGTGAA on the coding strand, the reverse complement: TTN is on the minus strand); deleting any 8 consecutive bases within chr2:178,572,297-178,572,307 gives the same sequence; the c. name uses the placement nearest the transcript's 3' end. VCF-style (leftmost placement, unchanged base first): chr2-178572296-TTTCACAGA-T. GRCh37 (hg19) VCF-style: chr2-179437023-TTTCACAGA-T.
Other names: c.68905_68912del, p.Val22970fs (NM_001256850.1); c.46633_46640del, p.Val15546fs (NM_003319.4); c.66124_66131del, p.Val22043fs (NM_133378.4); c.47008_47015del, p.Val15671fs (NM_133432.3); c.47209_47216del, p.Val15738fs (NM_133437.4); short protein forms V15546fs, V15671fs, V15738fs, V22043fs, V22970fs, V24611fs.
Identifiers: ClinVar variation 694571 (VCV000694571.5), dbSNP rs1708504899, ClinGen allele CA1310531899.